The following is an entry in ClinVar:

NM_001376.5(DYNC1H1):c.3241G>C (p.Ala1081Pro)

Gene: DYNC1H1 (dynein cytoplasmic 1 heavy chain 1; plus strand). Cytogenetic location: 14q32.31.
Variant type: single nucleotide variant.
Coding change: c.3241G>C on transcript NM_001376.5 (MANE Select); coding-DNA position 3241, G replaced by C.
Protein change: p.Ala1081Pro; replaces alanine 1081 with proline.
Molecular consequence: missense variant.
Genome position (GRCh38, 1-based): chr14:101,994,757, G>C. VCF-style: chr14-101994757-G-C. GRCh37 (hg19) VCF-style: chr14-102461094-G-C.
Other names: short protein forms A1081P.
Identifiers: ClinVar variation 2157286 (VCV002157286.5), dbSNP rs752109929, ClinGen allele CA391033096.

ClinVar aggregate classification (germline): Uncertain significance. Review status: criteria provided, multiple submitters, no conflicts (2 of 4 stars). 2 submissions from 2 submitters: Uncertain significance (2). Last evaluated 2025-02-19.

Conditions:
Charcot-Marie-Tooth disease axonal type 2O. Also called: Charcot-Marie-Tooth Neuropathy Type 2O; CHARCOT-MARIE-TOOTH NEUROPATHY, AXONAL, TYPE 2O; CHARCOT-MARIE-TOOTH DISEASE, AXONAL, AUTOSOMAL DOMINANT, TYPE 2O; Charcot-Marie-Tooth disease, axonal, type 20. Identifiers: Orphanet 284232, MedGen C3280220, MONDO:0013644, OMIM 614228.
Inborn genetic diseases. Identifiers: MedGen C0950123, MeSH D030342.

gnomAD v4.1: 2 of 1,614,190 alleles (0.00012%); highest among the groups gnomAD compares: Non-Finnish European, 0.00017%; no homozygotes.

Submissions (2):

Ambry Genetics
Classification: Uncertain significance for Inborn genetic diseases. Last evaluated: 2025-02-19. Review status: criteria provided, single submitter. Criteria: Ambry Variant Classification Scheme 2023. Collection method: clinical testing. Allele origin: germline.

Labcorp Genetics (formerly Invitae), Labcorp
Classification: Uncertain significance for Charcot-Marie-Tooth disease axonal type 2O. Last evaluated: 2023-06-24. Review status: criteria provided, single submitter. Criteria: Invitae Variant Classification Sherloc (09022015). Collection method: clinical testing. Allele origin: germline.
Comment: This sequence change replaces alanine, which is neutral and non-polar, with proline, which is neutral and non-polar, at codon 1081 of the DYNC1H1 protein (p.Ala1081Pro). In summary, the available evidence is currently insufficient to determine the role of this variant in disease. Therefore, it has been classified as a Variant of Uncertain Significance. Advanced modeling of protein sequence and biophysical properties (such as structural, functional, and spatial information, amino acid conservation, physicochemical variation, residue mobility, and thermodynamic stability) has been performed at Invitae for this missense variant, however the output from this modeling did not meet the statistical confidence thresholds required to predict the impact of this variant on DYNC1H1 protein function. ClinVar contains an entry for this variant (Variation ID: 2157286). This variant has not been reported in the literature in individuals affected with DYNC1H1-related conditions. This variant is not present in population databases (gnomAD no frequency).